The following is an entry in ClinVar:

ClinVar aggregate classification (germline): Uncertain significance (1 of 4 stars; one submission).

gnomAD v4.1: 4 of 1,612,284 alleles (0.00025%); highest among the groups gnomAD compares: Non-Finnish European, 0.00034%; no homozygotes.

Submission:

Labcorp Genetics (formerly Invitae), Labcorp
Classification: Uncertain significance. Last evaluated: 2024-03-19. Review status: criteria provided, single submitter. Criteria: Invitae Variant Classification Sherloc (09022015). Collection method: clinical testing. Allele origin: germline.
Comment: This sequence change replaces proline, which is neutral and non-polar, with arginine, which is basic and polar, at codon 1126 of the MPDZ protein (p.Pro1126Arg). This variant is not present in population databases (gnomAD no frequency). This variant has not been reported in the literature in individuals affected with MPDZ-related conditions. An algorithm developed to predict the effect of missense changes on protein structure and function (PolyPhen-2) suggests that this variant is likely to be disruptive. In summary, the available evidence is currently insufficient to determine the role of this variant in disease. Therefore, it has been classified as a Variant of Uncertain Significance.

NM_001378778.1(MPDZ):c.3377C>G (p.Pro1126Arg)

Gene: MPDZ (multiple PDZ domain crumbs cell polarity complex component; minus strand). Cytogenetic location: 9p23.
Variant type: single nucleotide variant.
Coding change: c.3377C>G on transcript NM_001378778.1 (MANE Select); coding-DNA position 3377, C replaced by G.
Protein change: p.Pro1126Arg; replaces proline 1126 with arginine.
Molecular consequence: missense variant. On other transcripts: intron variant (1).
Genome position (GRCh38, 1-based): chr9:13,158,093, G>C on the plus strand (C>G on the coding strand, the complement: MPDZ is on the minus strand). VCF-style: chr9-13158093-G-C. GRCh37 (hg19) VCF-style: chr9-13158092-G-C.
Other names: c.3377C>G, p.Pro1126Arg (NM_001375418.1, NM_001375419.1, NM_001375420.1 and 13 more transcripts); c.3255-7405C>G (NM_001375427.1); short protein forms P1126R.
Identifiers: ClinVar variation 3678954 (VCV003678954.2).
Genomic context (GRCh38, chr9:13,158,093, plus strand): 5'-CAATTGCTATATGCTGTGTTTTGAAGTTCGCTTTCTTCACCCTCTCCCTCTTCTCGCTCT[G>C]GTAATTCTGGAATGTCTCTGGTTAAAGAATTACACAATGAGTACCCCAAAATCCTAGTAA-3'
Protein context (NP_001365707.1, residues 1116-1136): SYTGRDIPEL[Pro1126Arg]EREEGEGEES